The following is an entry in ClinVar:

NM_000540.3(RYR1):c.743G>A (p.Gly248Glu)

Gene: RYR1 (ryanodine receptor 1; plus strand). Cytogenetic location: 19q13.2.
Variant type: single nucleotide variant.
Coding change: c.743G>A on transcript NM_000540.3 (MANE Select); coding-DNA position 743, G replaced by A.
Protein change: p.Gly248Glu; replaces glycine 248 with glutamic acid.
Molecular consequence: missense variant.
Genome position (GRCh38, 1-based): chr19:38,446,711, G>A. VCF-style: chr19-38446711-G-A. GRCh37 (hg19) VCF-style: chr19-38937351-G-A.
Other names: p.Gly248Glu; c.743G>A, p.Gly248Glu (NM_001042723.2); short protein forms G248E.
Identifiers: ClinVar variation 3380610 (VCV003380610.1).

ClinVar aggregate classification (germline): Uncertain significance (1 of 4 stars; one submission).

gnomAD v4.1: 2 of 1,613,978 alleles (0.00012%); highest among the groups gnomAD compares: Non-Finnish European, 0.00017%; no homozygotes.

Submission:

Mayo Clinic Laboratories, Mayo Clinic
Classification: Uncertain significance. Last evaluated: 2023-04-21. Review status: criteria provided, single submitter. Criteria: ACMG Guidelines, 2015. Collection method: clinical testing. Allele origin: germline. Observed: 1 variant allele.
Comment: PP3, PM2_moderate, PM5